The following is an entry in ClinVar:

ClinVar aggregate classification (germline): Likely pathogenic (1 of 4 stars; one submission).

Submission:

GeneDx
Classification: Likely pathogenic. Last evaluated: 2026-02-18. Review status: criteria provided, single submitter. Criteria: GeneDx Variant Classification Process June 2021. Collection method: clinical testing. Allele origin: germline.
Comment: Alters the last nucleotide of the exon and is predicted to destroy the splice donor site and result in aberrant splicing, although in the absence of functional evidence the actual effect of this sequence change is unknown; Not observed at significant frequency in large population cohorts (gnomAD); Has not been previously published as pathogenic or benign to our knowledge

NM_000522.5(HOXA13):c.922G>A (p.Asp308Asn)

Genes: HOXA13 (homeobox A13; minus strand), LOC107126288 (NUP98-HOXA13 recombination region; plus strand). Cytogenetic location: 7p15.2.
Variant type: single nucleotide variant.
Coding change: c.922G>A on transcript NM_000522.5 (MANE Select); coding-DNA position 922, G replaced by A.
Protein change: p.Asp308Asn; replaces aspartic acid 308 with asparagine.
Molecular consequence: missense variant.
Genome position (GRCh38, 1-based): chr7:27,199,156, C>T on the plus strand (G>A on the coding strand, the complement: HOXA13 is on the minus strand). VCF-style: chr7-27199156-C-T. GRCh37 (hg19) VCF-style: chr7-27238775-C-T.
Other names: short protein forms D308N.
Identifiers: ClinVar variation 5009731 (VCV005009731.1).
Genomic context (GRCh38, chr7:27,199,156, plus strand): 5'-AGCGGAGAAGAAGCTGGAGCAGAGCCGGAAGACCAGGGCTGGGAATAGGTCGTCATTTAC[C>T]GGGCAGAGTGGACTTCCAGAGGTGGGGAGGCTGCGCCTGCTCTTTGGGGCAGTACATTTG-3'
Protein context (NP_000513.2, residues 298-318): PPHLWKSTLP[Asp308Asn]VVSHPSDASS